The following is an entry in ClinVar:

NM_016507.4(CDK12):c.4331G>A (p.Gly1444Glu)

Gene: CDK12 (cyclin dependent kinase 12; plus strand). Cytogenetic location: 17q12.
Variant type: single nucleotide variant.
Coding change: c.4331G>A on transcript NM_016507.4 (MANE Select); coding-DNA position 4331, G replaced by A.
Protein change: p.Gly1444Glu; replaces glycine 1444 with glutamic acid.
Molecular consequence: missense variant.
Genome position (GRCh38, 1-based): chr17:39,531,174, G>A. VCF-style: chr17-39531174-G-A. GRCh37 (hg19) VCF-style: chr17-37687427-G-A.
Other names: c.4304G>A, p.Gly1435Glu (NM_015083.4); short protein forms G1444E, G1435E.
Identifiers: ClinVar variation 3830350 (VCV003830350.1).

ClinVar aggregate classification (germline): Uncertain significance (1 of 4 stars; one submission).

gnomAD v4.1: 1 of 1,524,132 alleles (0.000066%); highest among the groups gnomAD compares: African/African-American, 0.0014%; no homozygotes.

Submission:

Ambry Genetics
Classification: Uncertain significance. Last evaluated: 2024-12-15. Review status: criteria provided, single submitter. Criteria: Ambry Variant Classification Scheme 2023. Collection method: clinical testing. Allele origin: germline.
Comment: The p.G1444E variant (also known as c.4331G>A), located in coding exon 14 of the CDK12 gene, results from a G to A substitution at nucleotide position 4331. The glycine at codon 1444 is replaced by glutamic acid, an amino acid with similar properties. This amino acid position is conserved. In addition, this alteration is predicted to be deleterious by in silico analysis. Based on the available evidence, the clinical significance of this variant remains unclear.